The following is an entry in ClinVar:

ClinVar aggregate classification (germline): Uncertain significance (0 of 4 stars; one submission).

Conditions:
SEMA3C-related disorder. Also called: SEMA3C-related condition.

gnomAD v4.1: 7 of 1,613,198 alleles (0.00043%); highest among the groups gnomAD compares: Admixed American, 0.0033%; no homozygotes.

Submission:

PreventionGenetics, part of Exact Sciences
Classification: Uncertain significance for SEMA3C-related condition. Last evaluated: 2024-09-03. Review status: no assertion criteria provided. Collection method: clinical testing. Allele origin: germline.
Comment: The SEMA3C c.424C>T variant is predicted to result in the amino acid substitution p.Arg142Cys. To our knowledge, this variant has not been reported in the literature. This variant is reported in 0.0056% of alleles in individuals of Latino descent in gnomAD. At this time, the clinical significance of this variant is uncertain due to the absence of conclusive functional and genetic evidence.

NM_006379.5(SEMA3C):c.370C>T (p.Arg124Cys)

Gene: SEMA3C (semaphorin 3C; minus strand). Cytogenetic location: 7q21.11.
Variant type: single nucleotide variant.
Coding change: c.370C>T on transcript NM_006379.5 (MANE Select); coding-DNA position 370, C replaced by T.
Protein change: p.Arg124Cys; replaces arginine 124 with cysteine.
Molecular consequence: missense variant.
Genome position (GRCh38, 1-based): chr7:80,818,376, G>A on the plus strand (C>T on the coding strand, the complement: SEMA3C is on the minus strand). VCF-style: chr7-80818376-G-A. GRCh37 (hg19) VCF-style: chr7-80447692-G-A.
Other names: c.424C>T, p.Arg142Cys (NM_001350120.2); c.196C>T, p.Arg66Cys (NM_001350121.2); short protein forms R124C, R142C, R66C.
Identifiers: ClinVar variation 3353374 (VCV003353374.1).